The following is an entry in ClinVar:

ClinVar aggregate classification (germline): Uncertain significance (1 of 4 stars; one submission).

Conditions:
Epilepsy, progressive myoclonic, 1B. Also called: PME. Identifiers: Orphanet 308, MedGen C2676254, MONDO:0012904, OMIM 612437.

Allele frequency attached by ClinVar (database versions not stated): gnomAD exomes below 0.00001; gnomAD 0.00001; TOPMed 0.00003.
gnomAD v4.1: 6 of 1,614,028 alleles (0.00037%); highest among the groups gnomAD compares: Non-Finnish European, 0.00051%; no homozygotes.

Submission:

Labcorp Genetics (formerly Invitae), Labcorp
Classification: Uncertain significance for Epilepsy, progressive myoclonic, 1B. Last evaluated: 2022-03-19. Review status: criteria provided, single submitter. Criteria: Invitae Variant Classification Sherloc (09022015). Collection method: clinical testing. Allele origin: germline.
Comment: Algorithms developed to predict the effect of missense changes on protein structure and function are either unavailable or do not agree on the potential impact of this missense change (SIFT: "Deleterious"; PolyPhen-2: "Benign"; Align-GVGD: "Class C0"). Algorithms developed to predict the effect of sequence changes on RNA splicing suggest that this variant may create or strengthen a splice site. In summary, the available evidence is currently insufficient to determine the role of this variant in disease. Therefore, it has been classified as a Variant of Uncertain Significance. This variant is not present in population databases (gnomAD no frequency). This variant has not been reported in the literature in individuals affected with PRICKLE1-related conditions. ClinVar contains an entry for this variant (Variation ID: 944206). This sequence change replaces methionine, which is neutral and non-polar, with valine, which is neutral and non-polar, at codon 652 of the PRICKLE1 protein (p.Met652Val).

NM_153026.3(PRICKLE1):c.1954A>G (p.Met652Val)

Gene: PRICKLE1 (prickle planar cell polarity protein 1; minus strand). Cytogenetic location: 12q12.
Variant type: single nucleotide variant.
Coding change: c.1954A>G on transcript NM_153026.3 (MANE Select); coding-DNA position 1954, A replaced by G.
Protein change: p.Met652Val; replaces methionine 652 with valine.
Molecular consequence: missense variant.
Genome position (GRCh38, 1-based): chr12:42,460,351, T>C on the plus strand (A>G on the coding strand, the complement: PRICKLE1 is on the minus strand). VCF-style: chr12-42460351-T-C. GRCh37 (hg19) VCF-style: chr12-42854153-T-C.
Other names: c.1954A>G, p.Met652Val (NM_001144881.2, NM_001144882.2, NM_001144883.2); short protein forms M652V.
Identifiers: ClinVar variation 944206 (VCV000944206.9), dbSNP rs1194478107, ClinGen allele CA384440520.